The following is an entry in ClinVar:

ClinVar aggregate classification (germline): Likely benign. Review status: criteria provided, multiple submitters, no conflicts (2 of 4 stars). 2 submissions from 2 submitters: Likely benign (2). Last evaluated 2026-04-10.

Conditions:
DICER1-related tumor predisposition. Also called: DICER1 syndrome; DICER1-related pleuropulmonary blastoma cancer predisposition syndrome. Identifiers: Orphanet 284343, MedGen C3839822, MONDO:0100216.

Allele frequency attached by ClinVar (database versions not stated): gnomAD exomes below 0.00001.
gnomAD v4.1: 1 of 1,612,888 alleles (0.000062%); highest among the groups gnomAD compares: Non-Finnish European, 0.000085%; no homozygotes.

Submissions (2):

Myriad Genetics, Inc.
Classification: Likely benign for DICER1-related tumor predisposition. Last evaluated: 2026-04-10. Review status: criteria provided, single submitter. Criteria: Myriad Autosomal Dominant, Autosomal Recessive and X-Linked Classification Criteria (2023). Collection method: clinical testing. Allele origin: unknown.
Comment: This variant is considered likely benign. This variant is intronic and is not expected to impact mRNA splicing.

Labcorp Genetics (formerly Invitae), Labcorp
Classification: Likely benign for DICER1-related tumor predisposition. Last evaluated: 2024-01-13. Review status: criteria provided, single submitter. Criteria: Invitae Variant Classification Sherloc (09022015). Collection method: clinical testing. Allele origin: germline.

NM_177438.3(DICER1):c.573+8T>G

Gene: DICER1 (dicer 1, ribonuclease III; minus strand). Cytogenetic location: 14q32.13.
Variant type: single nucleotide variant.
Coding change: c.573+8T>G on transcript NM_177438.3 (MANE Select); 8 bases into the intron after coding-DNA position 573, T replaced by G.
Molecular consequence: intron variant.
Genome position (GRCh38, 1-based): chr14:95,130,050, A>C on the plus strand (T>G on the coding strand, the complement: DICER1 is on the minus strand). VCF-style: chr14-95130050-A-C. GRCh37 (hg19) VCF-style: chr14-95596387-A-C.
Other names: c.573+8T>G (NM_001291628.2, NM_030621.4, NM_001271282.3 and 1 more transcripts).
Identifiers: ClinVar variation 755221 (VCV000755221.11), dbSNP rs1199149708, ClinGen allele CA615846857.